The following is an entry in ClinVar:

NM_000268.4(NF2):c.1288G>T (p.Val430Leu)

Gene: NF2 (NF2, moesin-ezrin-radixin like (MERLIN) tumor suppressor; plus strand). Cytogenetic location: 22q12.2.
Variant type: single nucleotide variant.
Coding change: c.1288G>T on transcript NM_000268.4 (MANE Select); coding-DNA position 1288, G replaced by T.
Protein change: p.Val430Leu; replaces valine 430 with leucine.
Molecular consequence: missense variant. On other transcripts: non-coding transcript variant (1), intron variant (1).
Genome position (GRCh38, 1-based): chr22:29,673,434, G>T. VCF-style: chr22-29673434-G-T. GRCh37 (hg19) VCF-style: chr22-30069423-G-T.
Other names: c.1288G>T, p.Val430Leu (NM_016418.5, NM_181825.3, NM_181832.3); c.1162G>T, p.Val388Leu (NM_181828.3); c.1165G>T, p.Val389Leu (NM_181829.3); c.1039G>T, p.Val347Leu (NM_181830.3, NM_181831.3); c.448-21318G>T (NM_181833.3); short protein forms V430L, V347L, V388L, V389L.
Identifiers: ClinVar variation 457893 (VCV000457893.11), dbSNP rs1361867592, ClinGen allele CA411148504.

ClinVar aggregate classification (germline): Uncertain significance. Review status: criteria provided, multiple submitters, no conflicts (2 of 4 stars). 2 submissions from 2 submitters: Uncertain significance (2). Last evaluated 2024-10-29.

Conditions:
Hereditary cancer-predisposing syndrome. Also called: Neoplastic Syndromes, Hereditary; Tumor predisposition; Hereditary neoplastic syndrome; Hereditary Cancer Syndrome. Identifiers: Orphanet 140162, MedGen C0027672, MeSH D009386, MONDO:0015356.
Neurofibromatosis, type 2 (SWNV). Also called: BILATERAL ACOUSTIC NEUROFIBROMATOSIS; SCHWANNOMATOSIS, VESTIBULAR; NF2-Related Schwannomatosis. Identifiers: Orphanet 637, MedGen C0027832, MONDO:0007039, OMIM 101000. Disease mechanism: loss of function.

Allele frequency attached by ClinVar (database versions not stated): gnomAD exomes below 0.00001.
gnomAD v4.1: 2 of 1,612,532 alleles (0.00012%); highest among the groups gnomAD compares: Non-Finnish European, 0.00017%; no homozygotes.

Submissions (2):

Labcorp Genetics (formerly Invitae), Labcorp
Classification: Uncertain significance for Neurofibromatosis, type 2. Last evaluated: 2024-10-29. Review status: criteria provided, single submitter. Criteria: Invitae Variant Classification Sherloc (09022015). Collection method: clinical testing. Allele origin: germline.
Comment: This sequence change replaces valine, which is neutral and non-polar, with leucine, which is neutral and non-polar, at codon 430 of the NF2 protein (p.Val430Leu). The frequency data for this variant in the population databases is considered unreliable, as metrics indicate poor data quality at this position in the gnomAD database. This variant has not been reported in the literature in individuals affected with NF2-related conditions. ClinVar contains an entry for this variant (Variation ID: 457893). Invitae Evidence Modeling of protein sequence and biophysical properties (such as structural, functional, and spatial information, amino acid conservation, physicochemical variation, residue mobility, and thermodynamic stability) indicates that this missense variant is not expected to disrupt NF2 protein function with a negative predictive value of 80%. In summary, the available evidence is currently insufficient to determine the role of this variant in disease. Therefore, it has been classified as a Variant of Uncertain Significance.

Ambry Genetics
Classification: Uncertain significance for Hereditary cancer-predisposing syndrome. Last evaluated: 2023-02-26. Review status: criteria provided, single submitter. Criteria: Ambry Variant Classification Scheme 2023. Collection method: clinical testing. Allele origin: germline.
Comment: The p.V430L variant (also known as c.1288G>T), located in coding exon 12 of the NF2 gene, results from a G to T substitution at nucleotide position 1288. The valine at codon 430 is replaced by leucine, an amino acid with highly similar properties. This amino acid position is conserved. In addition, this alteration is predicted to be tolerated by in silico analysis. Since supporting evidence is limited at this time, the clinical significance of this alteration remains unclear.